The following is an entry in ClinVar:

NM_020297.4(ABCC9):c.3893A>T (p.Asp1298Val)

Genes: ABCC9 (ATP binding cassette subfamily C member 9; minus strand), KCNJ8-AS1 (KCNJ8 antisense RNA 1; plus strand). Cytogenetic location: 12p12.1.
Variant type: single nucleotide variant.
Coding change: c.3893A>T on transcript NM_020297.4 (MANE Select); coding-DNA position 3893, A replaced by T.
Protein change: p.Asp1298Val; replaces aspartic acid 1298 with valine.
Molecular consequence: missense variant.
Genome position (GRCh38, 1-based): chr12:21,815,893, T>A on the plus strand (A>T on the coding strand, the complement: ABCC9 is on the minus strand). VCF-style: chr12-21815893-T-A. GRCh37 (hg19) VCF-style: chr12-21968827-T-A.
Other names: NC_000012.11:g.21968827T>A; c.3893A>T, p.Asp1298Val (NM_001377273.1, NM_005691.4); c.3026A>T, p.Asp1009Val (NM_001377274.1); short protein forms D1009V, D1298V.
Identifiers: ClinVar variation 2438744 (VCV002438744.5), dbSNP rs750024025, ClinGen allele CA6480993.
Genomic context (GRCh38, chr12:21,815,893, plus strand): 5'-CACAGATCATGTATCTTGATCTCCCCTTCTTGTGGCCAATGTTCTGGAACTTGAGAAGGA[T>A]CTGGAGGATGGGATGGGGAAATAGACAGATAATAGGCAGATAGAGATTGATGTAGAAAGA-3'
Protein context (NP_064693.2, residues 1288-1308): MESENYEGTM[Asp1298Val]PSQVPEHWPQ

ClinVar aggregate classification (germline): Uncertain significance. Review status: criteria provided, multiple submitters, no conflicts (2 of 4 stars). 2 submissions from 2 submitters: Uncertain significance (2). Last evaluated 2026-07-21.

Conditions:
Cardiovascular phenotype. Identifiers: MedGen CN230736.

Allele frequency attached by ClinVar (database versions not stated): gnomAD exomes below 0.00001; TOPMed below 0.00001; ExAC 0.00001.
gnomAD v4.1: 2 of 1,612,790 alleles (0.00012%); highest among the groups gnomAD compares: Non-Finnish European, 0.000085%; no homozygotes.

Submissions (3):

Ambry Genetics
Classification: Uncertain significance for Cardiovascular phenotype. Last evaluated: 2026-07-21. Review status: criteria provided, single submitter. Criteria: Ambry Variant Classification Scheme 2023. Collection method: clinical testing. Allele origin: germline.
Comment: The p.D1298V variant (also known as c.3893A>T) is located in coding exon 32 of the ABCC9 gene. The aspartic acid at codon 1298 is replaced by valine, an amino acid with highly dissimilar properties. This change occurs in the first base pair of coding exon 32. This amino acid position is conserved. In addition, this alteration is predicted to be deleterious by in silico analysis. Based on the available evidence, the clinical significance of this variant remains unclear.

Revvity Omics, Revvity
Classification: Uncertain significance. Last evaluated: 2020-07-31. Review status: criteria provided, single submitter. Criteria: ACMG Guidelines, 2015. Collection method: clinical testing. Allele origin: germline.

Dr. Peter K. Rogan Lab, Western University
No classification provided (evidence only). Condition: Ovarian serous cystadenocarcinoma. Review status: no classification provided. Collection method: in vitro. Allele origin: not applicable. Functional consequence: retained intron. Not counted in ClinVar's aggregate classification.